The following is an entry in ClinVar:

NM_006158.5(NEFL):c.1069G>A (p.Glu357Lys)

Genes: NEFL (neurofilament light chain; minus strand), LOC126860330 (BRD4-independent group 4 enhancer GRCh37_chr8:24811677-24812876; plus strand). Cytogenetic location: 8p21.2.
Variant type: single nucleotide variant.
Coding change: c.1069G>A on transcript NM_006158.5 (MANE Select); coding-DNA position 1069, G replaced by A.
Protein change: p.Glu357Lys; replaces glutamic acid 357 with lysine.
Molecular consequence: missense variant.
Genome position (GRCh38, 1-based): chr8:24,954,281, C>T on the plus strand (G>A on the coding strand, the complement: NEFL is on the minus strand). VCF-style: chr8-24954281-C-T. GRCh37 (hg19) VCF-style: chr8-24811795-C-T.
Other names: short protein forms E357K.
Identifiers: ClinVar variation 412300 (VCV000412300.3), dbSNP rs1060503693, ClinGen allele CA16612570.
Genomic context (GRCh38, chr8:24,954,281, plus strand): 5'-TGAGGAGGTCTTGGTATTCTTTTAGGTATCGTGCCATTTCACTCTTTGTGGTCCTCAATT[C>T]ATTTTCTAATTTGTTGATCGTGTCCTGTTTGAAGACAAAAATAAAACAAAAAAAAAATCC-3'
Protein context (NP_006149.2, residues 347-367): MQDTINKLEN[Glu357Lys]LRTTKSEMAR

ClinVar aggregate classification (germline): Uncertain significance (1 of 4 stars; one submission).

Conditions:
Charcot-Marie-Tooth disease type 2E (CMT2E). Also called: CHARCOT-MARIE-TOOTH DISEASE, AXONAL, TYPE 2E; CHARCOT-MARIE-TOOTH NEUROPATHY, TYPE 2E. Identifiers: Orphanet 99939, MedGen C1843225, MONDO:0011894, OMIM 607684.

Allele frequency attached by ClinVar (database versions not stated): gnomAD exomes below 0.00001.

Submission:

Labcorp Genetics (formerly Invitae), Labcorp
Classification: Uncertain significance for Charcot-Marie-Tooth disease type 2E. Last evaluated: 2016-05-12. Review status: criteria provided, single submitter. Criteria: Invitae Variant Classification Sherloc (09022015). Collection method: clinical testing. Allele origin: germline.
Comment: In summary, this variant is a novel missense change with uncertain impact on protein function. It has been classified as a Variant of Uncertain Significance. A family study may help clarify the significance of this variant. Algorithms developed to predict the effect of missense changes on protein structure and function (SIFT, PolyPhen-2, Align-GVGD) all suggest that this variant is likely to be disruptive, but these predictions have not been confirmed by published functional studies. This variant is not present in population databases (ExAC no frequency) and has not been reported in the literature in individuals with a NEFL-related disease. This sequence change replaces glutamic acid with lysine at codon 1069 of the NEFL protein (p.Glu357Lys). The glutamic acid residue is highly conserved and there is a small physicochemical difference between glutamic acid and lysine.